The following is an entry in ClinVar:

NM_001267550.2(TTN):c.86526T>G (p.Val28842=)

Genes: TTN (titin; minus strand), TTN-AS1 (TTN antisense RNA 1; plus strand). Cytogenetic location: 2q31.2.
Variant type: single nucleotide variant.
Coding change: c.86526T>G on transcript NM_001267550.2 (MANE Select); coding-DNA position 86526, T replaced by G.
Protein change: p.Val28842=; no amino-acid change (valine 28842 retained).
Molecular consequence: synonymous variant.
Genome position (GRCh38, 1-based): chr2:178,559,606, A>C on the plus strand (T>G on the coding strand, the complement: TTN is on the minus strand). VCF-style: chr2-178559606-A-C. GRCh37 (hg19) VCF-style: chr2-179424333-A-C.
Other names: c.81603T>G, p.Val27201= (NM_001256850.1); c.78822T>G, p.Val26274= (NM_133378.4); c.59331T>G, p.Val19777= (NM_003319.4); c.59706T>G, p.Val19902= (NM_133432.3); c.59907T>G, p.Val19969= (NM_133437.4).
Identifiers: ClinVar variation 47455 (VCV000047455.66), dbSNP rs72648226, ClinGen allele CA141055.
Genomic context (GRCh38, chr2:178,559,606, plus strand): 5'-TGCAGACTCTTTGGTTACATCTTGCACAGTAATGTTGGTTGGAGGACCTGGGGTATCTAA[A>C]ACTTTGACAACTAAGGTCAGTGAAGCAGCACTCAAAACATTCTGAATTGTTAATGTGTAC-3'
Protein context (NP_001254479.2, residues 28832-28852): SAASLTLVVK[Val28842=]LDTPGPPTNI

ClinVar aggregate classification (germline): Conflicting classifications of pathogenicity. Review status: criteria provided, conflicting classifications (1 of 4 stars). 17 submissions from 13 submitters: Uncertain significance (4); Benign (2); Likely benign (8). 3 of the submissions do not count toward it. Last evaluated 2026-06-01.

Conditions:
TTN-related disorder. Also called: TTN-related condition; TTN-related disease; TTN-related disorders.
Cardiovascular phenotype. Identifiers: MedGen CN230736.
Dilated cardiomyopathy 1G (CMD1G). Identifiers: Orphanet 154, MedGen C1858763, MONDO:0011400, OMIM 604145.
Autosomal recessive limb-girdle muscular dystrophy type 2J (LGMDR10). Also called: Limb-girdle muscular dystrophy, type 2J; MUSCULAR DYSTROPHY, LIMB-GIRDLE, AUTOSOMAL RECESSIVE 10. Identifiers: Orphanet 140922, MedGen C1837342, MONDO:0012127, OMIM 608807.
Cardiomyopathy (CMYO). Also called: Cardiomyopathies. Identifiers: Orphanet 167848, MedGen C0878544, MONDO:0004994, HP:0001638. Inheritance: Various modes of inheritance.
Early-onset myopathy with fatal cardiomyopathy (CMYO5). Also called: Salih Myopathy; CONGENITAL MYOPATHY 5 WITH CARDIOMYOPATHY. Identifiers: Orphanet 289377, MedGen C2673677, MONDO:0012714, OMIM 611705. Disease mechanism: loss of function.
Myopathy, myofibrillar, 9, with early respiratory failure (MFM9). Also called: Hereditary myopathy with early respiratory failure; Myopathy, distal, with early respiratory failure, autosomal dominant; EDSTROM MYOPATHY; MYOPATHY, PROXIMAL, WITH EARLY RESPIRATORY MUSCLE INVOLVEMENT. Identifiers: Orphanet 178464, Orphanet 34521, MedGen C1863599, MONDO:0011362, OMIM 603689.
Tibial muscular dystrophy (TMD). Also called: Udd Distal Myopathy – Tibial Muscular Dystrophy; Tibial muscular dystrophy, tardive; UDD MYOPATHY. Identifiers: Orphanet 609, MedGen C1838244, MONDO:0010870, OMIM 600334.

Allele frequency attached by ClinVar (database versions not stated): gnomAD 0.00031 and 0.00032; gnomAD exomes 0.00033 and 0.00044; ExAC 0.00036; TOPMed 0.00036; ESP Exome Variant Server 0.00041.
gnomAD v4.1: 693 of 1,613,720 alleles (0.043%); highest among the groups gnomAD compares: Non-Finnish European, 0.053%; no homozygotes.

Submissions (17):

CeGaT Center for Human Genetics Tuebingen
Classification: Likely benign. Last evaluated: 2026-06-01. Review status: criteria provided, single submitter. Criteria: CeGaT Center For Human Genetics Tuebingen Variant Classification Criteria Version 2. Collection method: clinical testing. Allele origin: germline. Affected: yes. Observed: 10 variant alleles.
Comment: TTN: BP4, BP7

Labcorp Genetics (formerly Invitae), Labcorp
Classification: Likely benign for Dilated cardiomyopathy 1G; Autosomal recessive limb-girdle muscular dystrophy type 2J. Last evaluated: 2026-01-19. Review status: criteria provided, single submitter. Criteria: Invitae Variant Classification Sherloc (09022015). Collection method: clinical testing. Allele origin: germline.

Blueprint Genetics
Classification: Likely benign. Last evaluated: 2024-11-05. Review status: criteria provided, single submitter. Criteria: ACMG Guidelines, 2015. Collection method: clinical testing. Allele origin: germline.

GeneDx
Classification: Likely benign. Last evaluated: 2021-04-07. Review status: criteria provided, single submitter. Criteria: GeneDx Variant Classification Process June 2021. Collection method: clinical testing. Allele origin: germline. Affected: yes.

Women's Health and Genetics/Laboratory Corporation of America, LabCorp
Classification: Likely benign. Last evaluated: 2021-03-25. Review status: criteria provided, single submitter. Criteria: LabCorp Variant Classification Summary - May 2015. Collection method: clinical testing. Allele origin: germline.

Ambry Genetics
Classification: Likely benign for Cardiovascular phenotype. Last evaluated: 2020-12-17. Review status: criteria provided, single submitter. Criteria: Ambry Variant Classification Scheme 2023. Collection method: clinical testing. Allele origin: germline.

CHEO Genetics Diagnostic Laboratory, Children's Hospital of Eastern Ontario
Classification: Likely benign for Cardiomyopathy. Last evaluated: 2020-03-16. Review status: criteria provided, single submitter. Criteria: ACMG Guidelines, 2015. Collection method: clinical testing. Allele origin: germline.

Illumina Laboratory Services, Illumina
Classification: Uncertain significance for Dilated cardiomyopathy 1G. Last evaluated: 2018-01-13. Review status: criteria provided, single submitter. Criteria: ICSL Variant Classification Criteria 13 December 2019. Collection method: clinical testing. Allele origin: germline.

Illumina Laboratory Services, Illumina
Classification: Uncertain significance for Early-onset myopathy with fatal cardiomyopathy. Last evaluated: 2018-01-13. Review status: criteria provided, single submitter. Criteria: ICSL Variant Classification Criteria 13 December 2019. Collection method: clinical testing. Allele origin: germline.

Illumina Laboratory Services, Illumina
Classification: Benign for Myopathy, myofibrillar, 9, with early respiratory failure. Last evaluated: 2018-01-13. Review status: criteria provided, single submitter. Criteria: ICSL Variant Classification Criteria 13 December 2019. Collection method: clinical testing. Allele origin: germline.
Comment: This variant was observed in the ICSL laboratory as part of a predisposition screen in an ostensibly healthy population. It had not been previously curated by ICSL or reported in the Human Gene Mutation Database (HGMD: prior to June 1st, 2018), and was therefore a candidate for classification through an automated scoring system. Utilizing variant allele frequency, disease prevalence and penetrance estimates, and inheritance mode, an automated score was calculated to assess if this variant is too frequent to cause the disease. Based on the score and internal cut-off values, a variant classified as benign is not then subjected to further curation. The score for this variant resulted in a classification of benign for this disease.

Illumina Laboratory Services, Illumina
Classification: Uncertain significance for Autosomal recessive limb-girdle muscular dystrophy type 2J. Last evaluated: 2018-01-13. Review status: criteria provided, single submitter. Criteria: ICSL Variant Classification Criteria 13 December 2019. Collection method: clinical testing. Allele origin: germline.

Illumina Laboratory Services, Illumina
Classification: Benign for Tibial muscular dystrophy. Last evaluated: 2018-01-13. Review status: criteria provided, single submitter. Criteria: ICSL Variant Classification Criteria 13 December 2019. Collection method: clinical testing. Allele origin: germline.
Comment: the same text as in the submission from Illumina Laboratory Services, Illumina above.

Eurofins Ntd Llc (ga)
Classification: Uncertain significance. Last evaluated: 2017-12-19. Review status: criteria provided, single submitter. Criteria: EGL Classification Definitions 2015. Collection method: clinical testing. Allele origin: germline. Observed: 7 variant alleles, 7 heterozygotes.

Laboratory for Molecular Medicine, Mass General Brigham Personalized Medicine
Classification: Likely benign. Last evaluated: 2012-03-19. Review status: criteria provided, single submitter. Criteria: LMM Criteria. Collection method: clinical testing. Allele origin: germline. Observed: 2 variant alleles.
Comment: Val26274Val in exon 275 of TTN: This variant is not expected to have clinical si gnificance because it does not alter an amino acid residue and is not located wi thin the splice consensus sequence. It has been identified in 0.1% (4/6694) of E uropean American chromosomes from a broad population by the NHLBI Exome Sequenci ng Project (dbSNP rs72648226). Val26274Val in exon 275 of TTN (rs72648226; allele frequency = 0.1%, 4/6694) **

PreventionGenetics, part of Exact Sciences
Classification: Likely benign for TTN-related condition. Last evaluated: 2020-03-16. Review status: no assertion criteria provided. Collection method: clinical testing. Allele origin: germline. Not counted in ClinVar's aggregate classification.
Comment: This variant is classified as likely benign based on ACMG/AMP sequence variant interpretation guidelines (Richards et al. 2015 PMID: 25741868, with internal and published modifications).

Clinical Genetics DNA and cytogenetics Diagnostics Lab, Erasmus MC, Erasmus Medical Center
Classification: Likely benign. Review status: no assertion criteria provided. Collection method: clinical testing. Allele origin: germline. Affected: yes. Study: VKGL Data-share Consensus. Not counted in ClinVar's aggregate classification.

Clinical Genetics, Academic Medical Center
Classification: Benign. Review status: no assertion criteria provided. Collection method: clinical testing. Allele origin: germline. Affected: yes. Study: VKGL Data-share Consensus. Not counted in ClinVar's aggregate classification.